The following is an entry in ClinVar:

ClinVar aggregate classification (germline): Uncertain significance. Review status: criteria provided, multiple submitters, no conflicts (2 of 4 stars). 2 submissions from 2 submitters: Uncertain significance (2). Last evaluated 2025-05-07.

gnomAD v4.1: 13 of 1,614,068 alleles (0.00081%); highest among the groups gnomAD compares: Non-Finnish European, 0.001%; no homozygotes.

Submissions (2):

Labcorp Genetics (formerly Invitae), Labcorp
Classification: Uncertain significance. Last evaluated: 2025-05-07. Review status: criteria provided, single submitter. Criteria: Invitae Variant Classification Sherloc (09022015). Collection method: clinical testing. Allele origin: germline.
Comment: This sequence change replaces lysine, which is basic and polar, with arginine, which is basic and polar, at codon 1164 of the SIN3A protein (p.Lys1164Arg). This variant is not present in population databases (gnomAD no frequency). This variant has not been reported in the literature in individuals affected with SIN3A-related conditions. Invitae Evidence Modeling of protein sequence and biophysical properties (such as structural, functional, and spatial information, amino acid conservation, physicochemical variation, residue mobility, and thermodynamic stability) indicates that this missense variant is not expected to disrupt SIN3A protein function with a negative predictive value of 80%. In summary, the available evidence is currently insufficient to determine the role of this variant in disease. Therefore, it has been classified as a Variant of Uncertain Significance.

Blueprint Genetics
Classification: Uncertain significance. Last evaluated: 2021-06-03. Review status: criteria provided, single submitter. Criteria: ACMG Guidelines, 2015. Collection method: clinical testing. Allele origin: germline.

NM_001145358.2(SIN3A):c.3491A>G (p.Lys1164Arg)

Gene: SIN3A (SIN3 transcription regulator family member A; minus strand). Cytogenetic location: 15q24.2.
Variant type: single nucleotide variant.
Coding change: c.3491A>G on transcript NM_001145358.2 (MANE Select); coding-DNA position 3491, A replaced by G.
Protein change: p.Lys1164Arg; replaces lysine 1164 with arginine.
Molecular consequence: missense variant.
Genome position (GRCh38, 1-based): chr15:75,375,765, T>C on the plus strand (A>G on the coding strand, the complement: SIN3A is on the minus strand). VCF-style: chr15-75375765-T-C. GRCh37 (hg19) VCF-style: chr15-75668106-T-C.
Other names: c.3491A>G, p.Lys1164Arg (NM_001145357.2, NM_001437462.1, NM_001437463.1 and 1 more transcripts); short protein forms K1164R.
Identifiers: ClinVar variation 4748594 (VCV004748594.2).